The following is an entry in ClinVar:

NM_021076.4(NEFH):c.381C>G (p.Gly127=)

Gene: NEFH (neurofilament heavy chain; plus strand). Cytogenetic location: 22q12.2.
Variant type: single nucleotide variant.
Coding change: c.381C>G on transcript NM_021076.4 (MANE Select); coding-DNA position 381, C replaced by G.
Protein change: p.Gly127=; no amino-acid change (glycine 127 retained).
Molecular consequence: synonymous variant.
Genome position (GRCh38, 1-based): chr22:29,480,643, C>G. VCF-style: chr22-29480643-C-G. GRCh37 (hg19) VCF-style: chr22-29876632-C-G.
Identifiers: ClinVar variation 759426 (VCV000759426.21), dbSNP rs760591823, ClinGen allele CA10174005.

ClinVar aggregate classification (germline): Likely benign. Review status: criteria provided, multiple submitters, no conflicts (2 of 4 stars). 2 submissions from 2 submitters: Likely benign (2). Last evaluated 2026-04-01.

Allele frequency attached by ClinVar (database versions not stated): ExAC below 0.00001; gnomAD 0.00001; TOPMed 0.00001; gnomAD exomes 0.00002 and 0.00003.
gnomAD v4.1: 49 of 1,561,104 alleles (0.0031%); highest among the groups gnomAD compares: Non-Finnish European, 0.0039%; no homozygotes.

Submissions (2):

CeGaT Center for Human Genetics Tuebingen
Classification: Likely benign. Last evaluated: 2026-04-01. Review status: criteria provided, single submitter. Criteria: CeGaT Center For Human Genetics Tuebingen Variant Classification Criteria Version 2. Collection method: clinical testing. Allele origin: germline. Affected: yes. Observed: 2 variant alleles.
Comment: NEFH: BP4, BP7

Labcorp Genetics (formerly Invitae), Labcorp
Classification: Likely benign. Last evaluated: 2024-05-25. Review status: criteria provided, single submitter. Criteria: Invitae Variant Classification Sherloc (09022015). Collection method: clinical testing. Allele origin: germline.